The following is an entry in ClinVar:

NM_004959.5(NR5A1):c.72C>G (p.His24Gln)

Gene: NR5A1 (nuclear receptor subfamily 5 group A member 1; minus strand). Cytogenetic location: 9q33.3.
Variant type: single nucleotide variant.
Coding change: c.72C>G on transcript NM_004959.5 (MANE Select); coding-DNA position 72, C replaced by G.
Protein change: p.His24Gln; replaces histidine 24 with glutamine.
Molecular consequence: missense variant.
Genome position (GRCh38, 1-based): chr9:124,503,324, G>C on the plus strand (C>G on the coding strand, the complement: NR5A1 is on the minus strand). VCF-style: chr9-124503324-G-C. GRCh37 (hg19) VCF-style: chr9-127265603-G-C.
Other names: short protein forms H24Q.
Identifiers: ClinVar variation 4856080 (VCV004856080.1).

ClinVar aggregate classification (germline): Likely pathogenic (1 of 4 stars; one submission).

Conditions:
46,XY sex reversal 3. Also called: 46,XY SEX REVERSAL, PARTIAL OR COMPLETE, NR5A1-RELATED; 46,XY GONADAL DYSGENESIS, PARTIAL OR COMPLETE, WITH OR WITHOUT ADRENAL FAILURE; DISORDER OF SEX DEVELOPMENT, 46,XY, NR5A1-RELATED; NR5A1-related 46,XY complete gonadal dysgenesis; SEX REVERSAL, XY, WITH OR WITHOUT ADRENAL FAILURE. Identifiers: MedGen C3489793, MONDO:0013066, OMIM 612965.

Submission:

3billion
Classification: Likely pathogenic for 46,XY sex reversal 3. Last evaluated: 2025-12-03. Review status: criteria provided, single submitter. Criteria: ACMG Guidelines, 2015. Collection method: clinical testing. Allele origin: germline. Affected: yes.
Comment: The variant is not observed in the gnomAD v4.1.0 dataset. Predicted Consequence/Location: Missense variant In silico tool predictions suggest damaging effect of the variant on gene or gene product [REVEL: 0.84 (>=0.6, sensitivity 0.68 and specificity 0.92)]. The same nucleotide change resulting in the same amino acid change has been previously reported to be associated with NR5A1-related disorder (PMID: 33351340).The variant has been observed in at least two similarly affected unrelated individuals (PMID: 33351340, 35134971). Different missense changes at the same codon (p.His24Asp, p.His24Leu, p.His24Tyr) have been reported to be associated with NR5A1-related disorder (PMID: 22549935, 33202802, 33351340). Therefore, this variant is classified as Likely pathogenic according to the recommendation of ACMG/AMP guideline.

Literature cited by the submitters: PubMed 33351340; PubMed 22549935; PubMed 35134971.